The following is an entry in ClinVar:

NM_004356.4(CD81):c.71C>T (p.Ala24Val)

Gene: CD81 (CD81 molecule; plus strand). Cytogenetic location: 11p15.5.
Variant type: single nucleotide variant.
Coding change: c.71C>T on transcript NM_004356.4 (MANE Select); coding-DNA position 71, C replaced by T.
Protein change: p.Ala24Val; replaces alanine 24 with valine.
Molecular consequence: missense variant. On other transcripts: 5 prime UTR variant (1).
Genome position (GRCh38, 1-based): chr11:2,390,416, C>T. VCF-style: chr11-2390416-C-T. GRCh37 (hg19) VCF-style: chr11-2411646-C-T.
Other names: c.-143C>T (NM_001297649.2); short protein forms A24V.
Identifiers: ClinVar variation 2135538 (VCV002135538.4), dbSNP rs2496508617, ClinGen allele CA379120439.

ClinVar aggregate classification (germline): Uncertain significance (1 of 4 stars; one submission).

Submission:

Labcorp Genetics (formerly Invitae), Labcorp
Classification: Uncertain significance. Last evaluated: 2022-05-08. Review status: criteria provided, single submitter. Criteria: Invitae Variant Classification Sherloc (09022015). Collection method: clinical testing. Allele origin: germline.
Comment: This sequence change replaces alanine, which is neutral and non-polar, with valine, which is neutral and non-polar, at codon 24 of the CD81 protein (p.Ala24Val). This variant is not present in population databases (gnomAD no frequency). This variant has not been reported in the literature in individuals affected with CD81-related conditions. Algorithms developed to predict the effect of missense changes on protein structure and function are either unavailable or do not agree on the potential impact of this missense change (SIFT: "Tolerated"; PolyPhen-2: "Possibly Damaging"; Align-GVGD: "Class C0"). In summary, the available evidence is currently insufficient to determine the role of this variant in disease. Therefore, it has been classified as a Variant of Uncertain Significance.